The following is an entry in ClinVar:

ClinVar aggregate classification (germline): Benign. Review status: criteria provided, single submitter (1 of 4 stars). 2 submissions from 2 submitters: Benign (1). 1 of the submissions does not count toward it. Last evaluated 2024-08-02.

Conditions:
ACY1-related disorder. Also called: ACY1-related condition.

Allele frequency attached by ClinVar (database versions not stated): TOPMed 0.00003; gnomAD 0.00021; gnomAD exomes 0.00029; 1000 Genomes Project 30x 0.00047; 1000 Genomes Project 0.00060; ExAC 0.00071.
gnomAD v4.1: 442 of 1,614,030 alleles (0.027%); highest among the groups gnomAD compares: South Asian, 0.44%; 6 homozygotes.

Submissions (2):

Labcorp Genetics (formerly Invitae), Labcorp
Classification: Benign. Last evaluated: 2024-08-02. Review status: criteria provided, single submitter. Criteria: Invitae Variant Classification Sherloc (09022015). Collection method: clinical testing. Allele origin: germline.

PreventionGenetics, part of Exact Sciences
Classification: Likely benign for ACY1-related condition. Last evaluated: 2019-09-25. Review status: no assertion criteria provided. Collection method: clinical testing. Allele origin: germline. Not counted in ClinVar's aggregate classification.
Comment: This variant is classified as likely benign based on ACMG/AMP sequence variant interpretation guidelines (Richards et al. 2015 PMID: 25741868, with internal and published modifications).

NM_000666.3(ACY1):c.242C>T (p.Thr81Met)

Genes: ABHD14A-ACY1 (ABHD14A-ACY1 readthrough; plus strand), ACY1 (aminoacylase 1; plus strand). Cytogenetic location: 3p21.2.
Variant type: single nucleotide variant.
Coding change: c.242C>T on transcript NM_000666.3 (MANE Select); coding-DNA position 242, C replaced by T.
Protein change: p.Thr81Met; replaces threonine 81 with methionine.
Molecular consequence: missense variant.
Genome position (GRCh38, 1-based): chr3:51,985,443, C>T. VCF-style: chr3-51985443-C-T. GRCh37 (hg19) VCF-style: chr3-52019459-C-T.
Other names: c.512C>T, p.Thr171Met (NM_001316331.2); c.242C>T, p.Thr81Met (NM_001198895.2, NM_001198896.2, NM_001198897.2); c.137C>T, p.Thr46Met (NM_001198898.2); short protein forms T171M, T46M, T81M.
Identifiers: ClinVar variation 3039784 (VCV003039784.4), dbSNP rs547722934, ClinGen allele CA2428399.